The following is an entry in ClinVar:

ClinVar aggregate classification (germline): Uncertain significance (1 of 4 stars; one submission).

Submission:

Greenwood Genetic Center Diagnostic Laboratories, Greenwood Genetic Center
Classification: Uncertain significance. Last evaluated: 2023-06-02. Review status: criteria provided, single submitter. Criteria: ACMG Guidelines, 2015. Collection method: clinical testing. Allele origin: germline. Affected: yes.
Comment: Gene of Uncertain Significance

NM_001533.3(HNRNPL):c.88_106del (p.Gly30fs)

Gene: HNRNPL (heterogeneous nuclear ribonucleoprotein L; minus strand). Cytogenetic location: 19q13.2.
Variant type: Deletion.
Coding change: c.88_106del on transcript NM_001533.3 (MANE Select); coding-DNA positions 88 to 106, 19 bases deleted (GGAGCGATGGTGAAGATGG).
Protein change: p.Gly30fs; shifts the reading frame from glycine 30.
Molecular consequence: frameshift variant. On other transcripts: intron variant (1).
Genome position (GRCh38, 1-based): chr19:38,849,861-38,849,879, CCATCTTCACCATCGCTCC deleted on the plus strand (GGAGCGATGGTGAAGATGG on the coding strand, the reverse complement: HNRNPL is on the minus strand); deleting any 19 consecutive bases within chr19:38,849,861-38,849,880 gives the same sequence; the c. name uses the placement nearest the transcript's 3' end. VCF-style (leftmost placement, unchanged base first): chr19-38849860-GCCATCTTCACCATCGCTCC-G. GRCh37 (hg19) VCF-style: chr19-39340500-GCCATCTTCACCATCGCTCC-G.
Other names: c.88_106del, p.Gly30fs (NM_001385651.1); c.-133+2417_-132-2427del (NM_001005335.2); short protein forms G30fs.
Identifiers: ClinVar variation 2572254 (VCV002572254.1), dbSNP rs2513398431, ClinGen allele CA2580614899.